The following is an entry in ClinVar:

NM_017802.4(DNAAF5):c.2129_2140del (p.Leu710_Ser714delinsPro)

Gene: DNAAF5 (dynein axonemal assembly factor 5; plus strand). Cytogenetic location: 7p22.3.
Variant type: Deletion.
Coding change: c.2129_2140del on transcript NM_017802.4 (MANE Select); coding-DNA positions 2129 to 2140, 12 bases deleted (TGGAGGAGGATT).
Protein change: p.Leu710_Ser714delinsPro.
Molecular consequence: inframe indel. On other transcripts: non-coding transcript variant (1).
Genome position (GRCh38, 1-based): chr7:775,052-775,063, TGGAGGAGGATT deleted. VCF-style (leftmost placement, unchanged base first): chr7-775051-CTGGAGGAGGATT-C. GRCh37 (hg19) VCF-style: chr7-814688-CTGGAGGAGGATT-C.
Identifiers: ClinVar variation 2080191 (VCV002080191.4), dbSNP rs2484170356, ClinGen allele CA2580076686.

ClinVar aggregate classification (germline): Uncertain significance (1 of 4 stars; one submission).

Conditions:
Primary ciliary dyskinesia. Also called: Ciliary dyskinesia. Identifiers: Orphanet 244, MedGen C0008780, MONDO:0016575, HP:0012265.

Submission:

Labcorp Genetics (formerly Invitae), Labcorp
Classification: Uncertain significance for Primary ciliary dyskinesia. Last evaluated: 2022-11-01. Review status: criteria provided, single submitter. Criteria: Invitae Variant Classification Sherloc (09022015). Collection method: clinical testing. Allele origin: germline.
Comment: Experimental studies and prediction algorithms are not available or were not evaluated, and the functional significance of this variant is currently unknown. In summary, the available evidence is currently insufficient to determine the role of this variant in disease. Therefore, it has been classified as a Variant of Uncertain Significance. This variant has not been reported in the literature in individuals affected with DNAAF5-related conditions. This variant, c.2129_2140del, is a complex sequence change that results in the deletion of 5 and insertion of 1 amino acid(s) in the DNAAF5 protein (p.Leu710_Ser714delinsPro). This variant is not present in population databases (gnomAD no frequency).